The following is an entry in ClinVar:

ClinVar aggregate classification (germline): Uncertain significance. Review status: criteria provided, multiple submitters, no conflicts (2 of 4 stars). 2 submissions from 2 submitters: Uncertain significance (2). Last evaluated 2025-12-18.

Conditions:
Familial adenomatous polyposis 1 (FAP1). Also called: FAMILIAL ADENOMATOUS POLYPOSIS 1, ATTENUATED; POLYPOSIS, ADENOMATOUS INTESTINAL. Identifiers: MedGen C2713442, MONDO:0021056, OMIM 175100. Disease mechanism: loss of function.
Hereditary cancer-predisposing syndrome. Also called: Neoplastic Syndromes, Hereditary; Hereditary neoplastic syndrome; Tumor predisposition; Hereditary Cancer Syndrome. Identifiers: Orphanet 140162, MedGen C0027672, MeSH D009386, MONDO:0015356.

gnomAD v4.1: 1 of 1,613,798 alleles (0.000062%); highest among the groups gnomAD compares: Non-Finnish European, 0.000085%; no homozygotes.

Submissions (2):

Ambry Genetics
Classification: Uncertain significance for Hereditary cancer-predisposing syndrome. Last evaluated: 2025-12-18. Review status: criteria provided, single submitter. Criteria: Ambry Variant Classification Scheme 2023. Collection method: clinical testing. Allele origin: germline.
Comment: The p.S2355L variant (also known as c.7064C>T), located in coding exon 15 of the APC gene, results from a C to T substitution at nucleotide position 7064. The serine at codon 2355 is replaced by leucine, an amino acid with dissimilar properties. This amino acid position is conserved. In addition, in silico predictors for this gene do not accurately predict pathogenicity. Based on the available evidence, the clinical significance of this variant remains unclear.

Labcorp Genetics (formerly Invitae), Labcorp
Classification: Uncertain significance for Familial adenomatous polyposis 1. Last evaluated: 2025-04-17. Review status: criteria provided, single submitter. Criteria: Invitae Variant Classification Sherloc (09022015). Collection method: clinical testing. Allele origin: germline.
Comment: This sequence change replaces serine, which is neutral and polar, with leucine, which is neutral and non-polar, at codon 2355 of the APC protein (p.Ser2355Leu). This variant is not present in population databases (gnomAD no frequency). This variant has not been reported in the literature in individuals affected with APC-related conditions. Invitae Evidence Modeling of protein sequence and biophysical properties (such as structural, functional, and spatial information, amino acid conservation, physicochemical variation, residue mobility, and thermodynamic stability) indicates that this missense variant is not expected to disrupt APC protein function with a negative predictive value of 95%. In summary, the available evidence is currently insufficient to determine the role of this variant in disease. Therefore, it has been classified as a Variant of Uncertain Significance.

NM_000038.6(APC):c.7064C>T (p.Ser2355Leu)

Gene: APC (APC regulator of Wnt signaling pathway; plus strand). Cytogenetic location: 5q22.2.
Variant type: single nucleotide variant.
Coding change: c.7064C>T on transcript NM_000038.6 (MANE Select); coding-DNA position 7064, C replaced by T.
Protein change: p.Ser2355Leu; replaces serine 2355 with leucine.
Molecular consequence: missense variant. On other transcripts: non-coding transcript variant (2).
Genome position (GRCh38, 1-based): chr5:112,842,658, C>T. VCF-style: chr5-112842658-C-T. GRCh37 (hg19) VCF-style: chr5-112178355-C-T.
Other names: c.7064C>T (NM_000038.5); c.7064C>T, p.Ser2355Leu (NM_001127510.3, NM_001354895.2, NM_001407450.1); c.7010C>T, p.Ser2337Leu (NM_001127511.3); c.7118C>T, p.Ser2373Leu (NM_001354896.2, NM_001407447.1, NM_001407448.1 and 1 more transcripts); c.7094C>T, p.Ser2365Leu (NM_001354897.2); c.6989C>T, p.Ser2330Leu (NM_001354898.2); c.6980C>T, p.Ser2327Leu (NM_001354899.2); c.6941C>T, p.Ser2314Leu (NM_001354900.2); and 12 more; short protein forms S1971L, S2072L, S2314L, S2330L, S2337L, S2365L, S2254L, S2272L.
Identifiers: ClinVar variation 4767465 (VCV004767465.2).